The following is an entry in ClinVar:

ClinVar aggregate classification (germline): Uncertain significance. Review status: criteria provided, multiple submitters, no conflicts (2 of 4 stars). 2 submissions from 2 submitters: Uncertain significance (2). Last evaluated 2025-02-02.

Conditions:
Familial adenomatous polyposis 1 (FAP1). Also called: FAMILIAL ADENOMATOUS POLYPOSIS 1, ATTENUATED; POLYPOSIS, ADENOMATOUS INTESTINAL. Identifiers: MedGen C2713442, MONDO:0021056, OMIM 175100. Disease mechanism: loss of function.

Allele frequency attached by ClinVar (database versions not stated): TOPMed 0.00002.
gnomAD v4.1: 13 of 1,043,116 alleles (0.0012%); highest among the groups gnomAD compares: South Asian, 0.0073%; no homozygotes.

Submissions (2):

Labcorp Genetics (formerly Invitae), Labcorp
Classification: Uncertain significance for Familial adenomatous polyposis 1. Last evaluated: 2025-02-02. Review status: criteria provided, single submitter. Criteria: Invitae Variant Classification Sherloc (09022015). Collection method: clinical testing. Allele origin: germline.
Comment: This variant occurs in a non-coding region of the APC gene. It does not change the encoded amino acid sequence of the APC protein. This variant is not present in population databases (gnomAD no frequency). This variant has not been reported in the literature in individuals affected with APC-related conditions. ClinVar contains an entry for this variant (Variation ID: 537674). Experimental studies and prediction algorithms are not available or were not evaluated, and the functional significance of this variant is currently unknown. In summary, the available evidence is currently insufficient to determine the role of this variant in disease. Therefore, it has been classified as a Variant of Uncertain Significance.

Blueprint Genetics
Classification: Uncertain significance. Last evaluated: 2022-06-01. Review status: criteria provided, single submitter. Criteria: ACMG Guidelines, 2015. Collection method: clinical testing. Allele origin: germline.

NM_001127511.3(APC):c.-124C>T

Gene: APC (APC regulator of Wnt signaling pathway; plus strand). Cytogenetic location: 5q22.2.
Variant type: single nucleotide variant.
Coding change: c.-124C>T on transcript NM_001127511.3; 124 bases upstream of the start codon, C replaced by T.
Molecular consequence: 5 prime UTR variant. On other transcripts: non-coding transcript variant (2).
Genome position (GRCh38, 1-based): chr5:112,707,594, C>T. VCF-style: chr5-112707594-C-T. GRCh37 (hg19) VCF-style: chr5-112043291-C-T.
Other names: c.-307C>T (NM_001354895.2, NM_001407447.1, NM_001407452.1 and 3 more transcripts); c.-124C>T (NM_001354897.2, NM_001354902.2, NM_001407446.1); c.-74C>T (NM_001407448.1, NM_001407450.1, NM_001407457.1 and 1 more transcripts); c.-98C>T (NM_001407453.1); c.-1342C>T (NM_001407470.1, NM_001407472.1).
Identifiers: ClinVar variation 537674 (VCV000537674.11), dbSNP rs964366695, ClinGen allele CA124925012.